The following is an entry in ClinVar:

ClinVar aggregate classification (germline): Likely pathogenic. Review status: reviewed by expert panel (3 of 4 stars). 45 submissions from 43 submitters: Likely pathogenic (1). 44 of the submissions do not count toward it. Last evaluated 2025-11-14.

Conditions:
MYBPC3-related cardiomyopathies.
Cardiovascular phenotype. Identifiers: MedGen CN230736.
MYBPC3-related disorder. Also called: MYBPC3-related disorders; MYBPC3-related condition; MYBPC3-related disease.
Hypertrophic cardiomyopathy 4. Also called: Familial hypertrophic cardiomyopathy 4. Identifiers: MedGen C1861862, MONDO:0007268, OMIM 115197.
Left ventricular noncompaction 10 (LVNC10). Identifiers: Orphanet 154, Orphanet 54260, MedGen C3715165, MONDO:0014163, OMIM 615396.
Cardiomyopathy (CMYO). Also called: Cardiomyopathies. Identifiers: Orphanet 167848, MedGen C0878544, MONDO:0004994, HP:0001638. Inheritance: Various modes of inheritance.
Primary familial hypertrophic cardiomyopathy (HCM). Identifiers: Orphanet 99739, MedGen C0949658, MeSH D024741, MONDO:0024573. Inheritance: Various modes of inheritance.
Hypertrophic cardiomyopathy. Also called: HYPERTROPHIC MYOCARDIOPATHY. Identifiers: Orphanet 217569, MedGen C0007194, MeSH D002312, MONDO:0005045, HP:0001639.

Allele frequency attached by ClinVar (database versions not stated): ExAC 0.00001; gnomAD exomes 0.00002; TOPMed 0.00003; gnomAD 0.00004 and 0.00005.

Submissions 1 to 8 of 45:

ClinGen Cardiomyopathy Variant Curation Expert Panel
Classification: Likely pathogenic for Hypertrophic cardiomyopathy. Last evaluated: 2025-11-14. Review status: reviewed by expert panel. Criteria: ClinGen CMP ACMG Specifications MYBPC3 V1.0.0. Collection method: curation. Allele origin: germline. Inheritance: Autosomal dominant inheritance.
Comment: The NM_000256.3(MYBPC3):c.1484G>A (p.Arg495Gln). This variant has been reported in individuals with HCM and other cardiomyopathies (ClinVar Variation ID: 164113) and has also been identified in 5 out of 112974 (0.009% FAF 95% CI) of European chromosomes in gnomAD (v.2.1). The variant is statistically increased in individuals with HCM compared to controls (OR lower 95% CI>10), therefore, the PS4 criterion has been applied at moderate strength (PS4_Moderate) and the PM2_Supporting criterion has not been applied. This variant segregated with disease in >7 affected individuals with HCM from at least 4 families (PP1_Strong; Maron 2011 PMID: 21185001, Agarwal 2015 PMID: 26271555, Mattos 2016 Year PMID: 27737317, Ross 2017 PMID: 28615295). This variant lies in a region of the protein where variants are statistically more likely to be disease-associated (PM1_Strength; Walsh 2019 PMID: 30696458). Computational prediction tools and conservation analyses do not provide strong support for or against an impact to the protein (REVEL score <0.7). In summary, this variant meets criteria to be classified as likely pathogenic for hypertrophic cardiomyopathy in an autosomal dominant manner based on PS4_Moderate, PP1_Strong and PM1.

GeneDx
Classification: Pathogenic. Last evaluated: 2026-08-10. Review status: criteria provided, single submitter. Criteria: GeneDx Variant Classification Process June 2021. Collection method: clinical testing. Allele origin: germline. Not counted in ClinVar's aggregate classification.
Comment: The p.(R495Q) mutant peptide was predominantly expressed compared to wild-type protein in heart tissue specimens from two HCM patients, though the precise correlation to phenotype is yet to be determined (PMID: 25031304); In silico analysis suggests that this missense variant does not alter protein structure/function; This variant is associated with the following publications: (PMID: 34598319, 31308319, 31006259, 39843441, 38296631, 36578016, 39605252, 40225148, 34542152, 15519027, 11499718, 15115610, 16715312, 18403758, 18409188, 18957093, 20031618, 20019025, 20624503, 21415409, 22857948, 23396983, 23861362, 24093860, 21310275, 24510615, 18761664, 18803133, 9562578, 26671970, 27532257, 28166811, 28024942, 28797094, 29447731, 29121657, 29907873, 30871747, 31737537, 30847666, 31447099, 32480058, 33500567, 34540771, 33673806, 27737317, 32746448, 33407484, 33087929, 36252119, 36264615, 37652022, 36243179, 38104429, 34400558, 35626289, 35653365, 35535697, 38456273, 34714385, 39472908, 39096151, 39160446, 38254962, 41357762, 40102575, 25031304)

CeGaT Center for Human Genetics Tuebingen
Classification: Pathogenic. Last evaluated: 2026-06-01. Review status: criteria provided, single submitter. Criteria: CeGaT Center For Human Genetics Tuebingen Variant Classification Criteria Version 2. Collection method: clinical testing. Allele origin: germline. Affected: yes. Observed: 10 variant alleles. Not counted in ClinVar's aggregate classification.
Comment: MYBPC3: PP1:Strong, PS4, PM2, PM5, PS3:Supporting

Molecular Diagnostic Laboratory for Inherited Cardiovascular Disease, Montreal Heart Institute
Classification: Pathogenic for Cardiovascular phenotype. Last evaluated: 2026-03-18. Review status: criteria provided, single submitter. Criteria: ACMG Guidelines, 2015. Collection method: clinical testing. Allele origin: germline. Affected: yes. Not counted in ClinVar's aggregate classification.

Dasa
Classification: Pathogenic. Last evaluated: 2026-03-12. Review status: criteria provided, single submitter. Criteria: DASA Assertion Criteria. Collection method: clinical testing. Allele origin: germline. Not counted in ClinVar's aggregate classification.
Comment: NM_000256.3(MYBPC3):c.1484G>A (p.Arg495Gln) is a missense variant that results in the substitution of arginine with glutamine. This variant has been recurrently observed in individuals with related phenotype (PMID: 11499718; PMID: 20019025; PMID: 22857948; PMID: 23396983; PMID: 24093860). Segregation evidence has been reported in affected families. The variant is present at low frequency in population datasets. Based on the available data, this variant is classified as pathogenic.

Labcorp Genetics (formerly Invitae), Labcorp
Classification: Pathogenic for Hypertrophic cardiomyopathy. Last evaluated: 2026-01-25. Review status: criteria provided, single submitter. Criteria: Invitae Variant Classification Sherloc (09022015). Collection method: clinical testing. Allele origin: germline. Not counted in ClinVar's aggregate classification.
Comment: This sequence change replaces arginine, which is basic and polar, with glutamine, which is neutral and polar, at codon 495 of the MYBPC3 protein (p.Arg495Gln). This variant is present in population databases (rs200411226, gnomAD 0.006%). This missense change has been observed in individuals with hypertrophic cardiomyopathy (PMID: 11499718, 20019025, 22857948, 23396983, 24093860). ClinVar contains an entry for this variant (Variation ID: 164113). An algorithm developed to predict the effect of missense changes on protein structure and function (PolyPhen-2) suggests that this variant is likely to be disruptive. This variant disrupts the p.Arg495 amino acid residue in MYBPC3. Other variant(s) that disrupt this residue have been determined to be pathogenic (PMID: 18403758, 19659763, 20624503). This suggests that this residue is clinically significant, and that variants that disrupt this residue are likely to be disease-causing. For these reasons, this variant has been classified as Pathogenic.

PreventionGenetics, part of Exact Sciences
Classification: Pathogenic for MYBPC3-related condition. Last evaluated: 2025-10-10. Review status: criteria provided, single submitter. Criteria: ACMG Guidelines, 2015. Collection method: clinical testing. Allele origin: germline. Not counted in ClinVar's aggregate classification.
Comment: The MYBPC3 c.1484G>A variant is predicted to result in the amino acid substitution p.Arg495Gln. This variant has been reported to be causative in multiple unrelated patients for hypertrophic cardiomyopathy (HCM) and has also been shown to segregate with disease in families (see, for example, Niimura et al. 1998. PubMed ID: 9562578; Mendes de Almeida et al. 2017. PubMed ID: 28797094; Table S8, McGurk et al. 2023. PubMed ID: 37652022). The results of experimental studies in human heart tissue are inconclusive, indicating this variant increased MYBPC3 mRNA expression but did not affect protein levels, and the mutant peptide was predominantly expressed (Helms et al. 2014. PubMed ID: 25031304). Other missense variants affecting the same amino acid (p.Arg495Gly and p.Arg495Trp) have also been reported in association with HCM (Morita et al. 2008. PubMed ID: 18403758; García-Castro et al. 2009. PubMed ID: 19150014). This variant is reported in 0.0056% of alleles in individuals of East Asian descent in gnomAD and is interpreted as pathogenic/likely pathogenic in ClinVar (Variation ID: 164113). This variant is interpreted as pathogenic.

OLLIN Analises Genomicas, OLLIN
Classification: Pathogenic for Hypertrophic cardiomyopathy 4. Last evaluated: 2025-07-17. Review status: criteria provided, single submitter. Criteria: ACMG Guidelines 2015 PMID 25741868. Collection method: clinical testing. Allele origin: germline. Affected: yes. Observed: 1 variant allele. Not counted in ClinVar's aggregate classification.
Comment: The missense variant (chr11:47342718C>T), located in exon 17 (of 35) and absent in ClinVar, is reported in gnomAD v4.1 non-UKB with an allele frequency of 0.0036%, and in the scientific literature, also segregating with the phenotype, in individuals with hypertrophic cardiomyopathy (PMID: 39125703, 23861362, 27737317, 11499718, 20019025, 22857948, 23396983, 24093860, 38999502, 39554508). In silico analysis is inconclusive regarding the impact of this variant. This variant is located in a known mutational hotspot. Based on the currently available evidence and the specific ClinGen criteria for the gene (PMID: 29300372), this variant has been classified as pathogenic (PS4, PM1, PM2_P, PM5, PP1_S).

NM_000256.3(MYBPC3):c.1484G>A (p.Arg495Gln)

Gene: MYBPC3 (myosin binding protein C3; minus strand). Cytogenetic location: 11p11.2.
Variant type: single nucleotide variant.
Coding change: c.1484G>A on transcript NM_000256.3 (MANE Select); coding-DNA position 1484, G replaced by A.
Protein change: p.Arg495Gln; replaces arginine 495 with glutamine.
Molecular consequence: missense variant.
Genome position (GRCh38, 1-based): chr11:47,342,718, C>T on the plus strand (G>A on the coding strand, the complement: MYBPC3 is on the minus strand). VCF-style: chr11-47342718-C-T. GRCh37 (hg19) VCF-style: chr11-47364269-C-T.
Other names: p.(Arg495Gln); short protein forms R495Q.
Identifiers: ClinVar variation 164113 (VCV000164113.117), dbSNP rs200411226, ClinGen allele CA010464.
Genomic context (GRCh38, chr11:47,342,718, plus strand): 5'-TTGATGATCAGGTGGTGTCTCTGCCCGTCCTTCTTGAACCGGTATTTGAAGGTCTCCTCC[C>T]GGGTCAGCTCCACCCCGTCCTTCAGCCTAGCCGGGTGGGTGGGTGGCAAGTGCTGTGGCC-3'
Protein context (NP_000247.2, residues 485-505): KWLKDGVELT[Arg495Gln]EETFKYRFKK